The following is an entry in ClinVar:

ClinVar aggregate classification (germline): Uncertain significance. Review status: criteria provided, multiple submitters, no conflicts (2 of 4 stars). 4 submissions from 4 submitters: Uncertain significance (4). Last evaluated 2024-09-18.

Conditions:
Hereditary cancer-predisposing syndrome. Also called: Tumor predisposition; Hereditary Cancer Syndrome; Hereditary neoplastic syndrome; Neoplastic Syndromes, Hereditary. Identifiers: Orphanet 140162, MedGen C0027672, MeSH D009386, MONDO:0015356.
Familial cancer of breast. Also called: BREAST CANCER, FAMILIAL; Hereditary breast cancer; hereditary breast carcinoma. Identifiers: Orphanet 227535, MedGen C0346153, MONDO:0016419, OMIM 114480. Disease mechanism: loss of function.

gnomAD v4.1: 1 of 1,611,936 alleles (0.000062%); highest among the groups gnomAD compares: Non-Finnish European, 0.000085%; no homozygotes.

Submissions (4):

Color Diagnostics, LLC DBA Color Health
Classification: Uncertain significance for Hereditary cancer-predisposing syndrome. Last evaluated: 2024-09-18. Review status: criteria provided, single submitter. Criteria: ACMG Guidelines, 2015. Collection method: clinical testing. Allele origin: germline.
Comment: This missense variant replaces proline with threonine at codon 188 of the BARD1 protein. Computational prediction suggests that this variant may not impact protein structure and function. To our knowledge, functional studies have not been reported for this variant. This variant has not been reported in individuals affected with BARD1-related disorders in the literature. This variant has not been identified in the general population by the Genome Aggregation Database (gnomAD). The available evidence is insufficient to determine the role of this variant in disease conclusively. Therefore, this variant is classified as a Variant of Uncertain Significance.

Labcorp Genetics (formerly Invitae), Labcorp
Classification: Uncertain significance for Familial cancer of breast. Last evaluated: 2020-07-23. Review status: criteria provided, single submitter. Criteria: Invitae Variant Classification Sherloc (09022015). Collection method: clinical testing. Allele origin: germline.
Comment: This sequence change replaces proline with threonine at codon 188 of the BARD1 protein (p.Pro188Thr). The proline residue is moderately conserved and there is a small physicochemical difference between proline and threonine. This variant is not present in population databases (ExAC no frequency). In summary, the available evidence is currently insufficient to determine the role of this variant in disease. Therefore, it has been classified as a Variant of Uncertain Significance. Algorithms developed to predict the effect of missense changes on protein structure and function output the following: SIFT: "Tolerated"; PolyPhen-2: "Benign"; Align-GVGD: "Class C0". The threonine amino acid residue is found in multiple mammalian species, suggesting that this missense change does not adversely affect protein function. These predictions have not been confirmed by published functional studies and their clinical significance is uncertain. This variant has not been reported in the literature in individuals with BARD1-related conditions. ClinVar contains an entry for this variant (Variation ID: 182040).

Ambry Genetics
Classification: Uncertain significance for Hereditary cancer-predisposing syndrome. Last evaluated: 2014-12-24. Review status: criteria provided, single submitter. Criteria: Ambry Variant Classification Scheme 2023. Collection method: clinical testing. Allele origin: germline.
Comment: The p.P188T variant (also known as c.562C>A), located in coding exon 4 of the BARD1 gene, results from a C to A substitution at nucleotide position 562. The proline at codon 188 is replaced by threonine, an amino acid with highly similar properties. This variant was not reported in population based cohorts in the following databases: Database of Single Nucleotide Polymorphisms (dbSNP), NHLBI Exome Sequencing Project (ESP), and 1000 Genomes Project. In the ESP, this variant was not observed in 6503 samples (13006 alleles) with coverage at this position. To date, this alteration has been detected with an allele frequency of approximately 0.003% (greater than 40,000 alleles tested) in our clinical cohort. Based on protein sequence alignment, this amino acid position is not well conserved in available vertebrate species. In addition, this alteration is predicted to be tolerated by in silico analysis. Since supporting evidence is limited at this time, the clinical significance of p.P188T remains unclear.

GeneDx
Classification: Uncertain significance. Last evaluated: 2014-05-27. Review status: criteria provided, single submitter. Criteria: GeneDx Variant Classification (06012015). Collection method: clinical testing. Allele origin: germline. Affected: yes.
Comment: This variant is denoted BARD1 c.562C>A at the cDNA level, p.Pro188Thr (P188T) at the protein level, and results in the change of a Proline to a Threonine (CCT>ACT). This variant has not, to our knowledge, been published in the literature as pathogenic or benign. BARD1 Pro188Thr was not observed in approximately 6,500 individuals of European and African American ancestry in the NHLBI Exome Sequencing Project, indicating it is not a common benign variant in these populations. Since Proline and Threonine differ in polarity, charge, size or other properties, this is considered a non-conservative amino acid substitution. BARD1 Pro188Thr occurs at a position that is moderately conserved through mammals and is not located in a known functional domain. In addition, in silico analyses predict that this variant is unlikely to alter protein structure or function. Based on currently available information, it is unclear whether BARD1 Pro188Thr is pathogenic or benign. We consider it to be a variant of uncertain significance.

NM_000465.4(BARD1):c.562C>A (p.Pro188Thr)

Gene: BARD1 (BRCA1 associated RING domain 1; minus strand). Cytogenetic location: 2q35.
Variant type: single nucleotide variant.
Coding change: c.562C>A on transcript NM_000465.4 (MANE Select); coding-DNA position 562, C replaced by A.
Protein change: p.Pro188Thr; replaces proline 188 with threonine.
Molecular consequence: missense variant. On other transcripts: non-coding transcript variant (2), intron variant (3).
Genome position (GRCh38, 1-based): chr2:214,781,312, G>T on the plus strand (C>A on the coding strand, the complement: BARD1 is on the minus strand). VCF-style: chr2-214781312-G-T. GRCh37 (hg19) VCF-style: chr2-215646036-G-T.
Other names: p.P188T:CCT>ACT; c.505C>A, p.Pro169Thr (NM_001282543.2); c.158+28100C>A (NM_001282548.2); c.215+15749C>A (NM_001282545.2); c.364+10985C>A (NM_001282549.2); short protein forms P188T, P169T.
Identifiers: ClinVar variation 182040 (VCV000182040.17), dbSNP rs373249008, ClinGen allele CA298452.